The following is an entry in ClinVar:

ClinVar aggregate classification (germline): Uncertain significance. Review status: criteria provided, multiple submitters, no conflicts (2 of 4 stars). 2 submissions from 2 submitters: Uncertain significance (2). Last evaluated 2025-11-21.

Allele frequency attached by ClinVar (database versions not stated): gnomAD exomes 0.00001; TOPMed 0.00002; gnomAD 0.00003.
gnomAD v4.1: 14 of 1,613,942 alleles (0.00087%); highest among the groups gnomAD compares: Admixed American, 0.013%; no homozygotes.

Submissions (2):

Dasa
Classification: Uncertain significance. Last evaluated: 2025-11-21. Review status: criteria provided, single submitter. Criteria: DASA Assertion Criteria. Collection method: clinical testing. Allele origin: germline.
Comment: NM_000477.7(ALB):c.1067A>G (p.Tyr356Cys) is a missense variant that results in the substitution of tyrosine with cysteine. This variant is rare in population databases. Computational prediction algorithms are consistent with a deleterious effect. The currently available literature and clinical evidence are not sufficient to establish a definitive association between this variant and the reported condition. Therefore, this variant is classified as a variant of uncertain significance.

Labcorp Genetics (formerly Invitae), Labcorp
Classification: Uncertain significance. Last evaluated: 2024-02-26. Review status: criteria provided, single submitter. Criteria: Invitae Variant Classification Sherloc (09022015). Collection method: clinical testing. Allele origin: germline.
Comment: This sequence change replaces tyrosine, which is neutral and polar, with cysteine, which is neutral and slightly polar, at codon 356 of the ALB protein (p.Tyr356Cys). This variant is present in population databases (no rsID available, gnomAD 0.009%). This variant has not been reported in the literature in individuals affected with ALB-related conditions. Advanced modeling of protein sequence and biophysical properties (such as structural, functional, and spatial information, amino acid conservation, physicochemical variation, residue mobility, and thermodynamic stability) performed at Invitae indicates that this missense variant is expected to disrupt ALB protein function with a positive predictive value of 80%. In summary, the available evidence is currently insufficient to determine the role of this variant in disease. Therefore, it has been classified as a Variant of Uncertain Significance.

NM_000477.7(ALB):c.1067A>G (p.Tyr356Cys)

Gene: ALB (albumin; plus strand). Cytogenetic location: 4q13.3.
Variant type: single nucleotide variant.
Coding change: c.1067A>G on transcript NM_000477.7 (MANE Select); coding-DNA position 1067, A replaced by G.
Protein change: p.Tyr356Cys; replaces tyrosine 356 with cysteine.
Molecular consequence: missense variant.
Genome position (GRCh38, 1-based): chr4:73,415,043, A>G. VCF-style: chr4-73415043-A-G. GRCh37 (hg19) VCF-style: chr4-74280760-A-G.
Other names: short protein forms Y356C.
Identifiers: ClinVar variation 2901598 (VCV002901598.4), dbSNP rs1037277082, ClinGen allele CA99707128.